The following is an entry in ClinVar:

ClinVar aggregate classification (germline): Benign/Likely benign. Review status: criteria provided, multiple submitters, no conflicts (2 of 4 stars). 6 submissions from 6 submitters: Benign (4); Likely benign (1). 1 of the submissions does not count toward it. Last evaluated 2026-02-03.

Conditions:
KMT2B-related disorder. Also called: KMT2B-related condition; KMT2B-related disorders. Identifiers: MedGen CN381338.
Dystonia 28, childhood-onset (DYT28). Also called: KMT2B-Related Dystonia (DYT-KMT2B). Identifiers: Orphanet 589618, MedGen C4310633, MONDO:0015004, OMIM 617284.

Allele frequency attached by ClinVar (database versions not stated): TOPMed 0.14079; ESP Exome Variant Server 0.14349; gnomAD 0.14579 and 0.15009; gnomAD exomes 0.14967; 1000 Genomes Project 30x 0.17239; ExAC 0.17448; 1000 Genomes Project 0.17492.
gnomAD v4.1: 233,122 of 1,597,962 alleles (15%); highest among the groups gnomAD compares: South Asian, 26%; 17,953 homozygotes.

Submissions (6):

Labcorp Genetics (formerly Invitae), Labcorp
Classification: Benign. Last evaluated: 2026-02-03. Review status: criteria provided, single submitter. Criteria: Invitae Variant Classification Sherloc (09022015). Collection method: clinical testing. Allele origin: germline.

Blueprint Genetics
Classification: Likely benign. Last evaluated: 2024-11-28. Review status: criteria provided, single submitter. Criteria: ACMG Guidelines, 2015. Collection method: clinical testing. Allele origin: germline.

Genome-Nilou Lab
Classification: Benign for Dystonia 28, childhood-onset. Last evaluated: 2021-08-19. Review status: criteria provided, single submitter. Criteria: ACMG Guidelines, 2015. Collection method: clinical testing. Allele origin: germline. Affected: no.

GeneDx
Classification: Benign. Last evaluated: 2018-07-05. Review status: criteria provided, single submitter. Criteria: GeneDx Variant Classification Process June 2021. Collection method: clinical testing. Allele origin: germline. Affected: yes.

Breakthrough Genomics
Classification: Benign. Review status: criteria provided, single submitter. Criteria: ACMG Guidelines, 2015. Collection method: not provided. Allele origin: germline. Inheritance: Autosomal dominant inheritance. Affected: yes.

PreventionGenetics, part of Exact Sciences
Classification: Benign for KMT2B-related condition. Last evaluated: 2019-10-21. Review status: no assertion criteria provided. Collection method: clinical testing. Allele origin: germline. Not counted in ClinVar's aggregate classification.
Comment: This variant is classified as benign based on ACMG/AMP sequence variant interpretation guidelines (Richards et al. 2015 PMID: 25741868, with internal and published modifications).

NM_014727.3(KMT2B):c.2572-9C>T

Gene: KMT2B (lysine methyltransferase 2B; plus strand). Cytogenetic location: 19q13.12.
Variant type: single nucleotide variant.
Coding change: c.2572-9C>T on transcript NM_014727.3 (MANE Select); 9 bases into the intron before coding-DNA position 2572, C replaced by T.
Molecular consequence: intron variant.
Genome position (GRCh38, 1-based): chr19:35,722,559, C>T. VCF-style: chr19-35722559-C-T. GRCh37 (hg19) VCF-style: chr19-36213461-C-T.
Identifiers: ClinVar variation 1240835 (VCV001240835.16), dbSNP rs11084828, ClinGen allele CA9384503.